The following is an entry in ClinVar:

ClinVar aggregate classification (germline): Uncertain significance (1 of 4 stars; one submission).

gnomAD v4.1: 5 of 1,199,726 alleles (0.00042%); highest among the groups gnomAD compares: African/African-American, 0.0087%; no homozygotes.

Submission:

GeneDx
Classification: Uncertain significance. Last evaluated: 2026-08-29. Review status: criteria provided, single submitter. Criteria: GeneDx Variant Classification Process June 2021. Collection method: clinical testing. Allele origin: germline.
Comment: In silico analysis suggests that this missense variant does not alter protein structure/function; Has not been previously published as pathogenic or benign to our knowledge

NM_004208.4(AIFM1):c.22G>A (p.Ala8Thr)

Genes: AIFM1 (apoptosis inducing factor mitochondria associated 1; minus strand), RAB33A (RAB33A, member RAS oncogene family; plus strand), LOC130068679 (ATAC-STARR-seq lymphoblastoid active region 29939; plus strand). Cytogenetic location: Xq26.1.
Variant type: single nucleotide variant.
Coding change: c.22G>A on transcript NM_004208.4 (MANE Select); coding-DNA position 22, G replaced by A.
Protein change: p.Ala8Thr; replaces alanine 8 with threonine.
Molecular consequence: missense variant. On other transcripts: non-coding transcript variant (1).
Genome position (GRCh38, 1-based): chrX:130,165,635, C>T on the plus strand (G>A on the coding strand, the complement: AIFM1 is on the minus strand). VCF-style: chrX-130165635-C-T. GRCh37 (hg19) VCF-style: chrX-129299609-C-T.
Other names: c.22G>A, p.Ala8Thr (NM_001130847.4, NM_145812.3); short protein forms A8T.
Identifiers: ClinVar variation 3368690 (VCV003368690.2).